The following is an entry in ClinVar:

NM_018475.5(TMEM165):c.376C>T (p.Arg126Cys)

Gene: TMEM165 (transmembrane protein 165; plus strand). Cytogenetic location: 4q12.
Variant type: single nucleotide variant.
Coding change: c.376C>T on transcript NM_018475.5 (MANE Select); coding-DNA position 376, C replaced by T.
Protein change: p.Arg126Cys; replaces arginine 126 with cysteine.
Molecular consequence: missense variant. On other transcripts: non-coding transcript variant (1).
Genome position (GRCh38, 1-based): chr4:55,411,782, C>T. VCF-style: chr4-55411782-C-T. GRCh37 (hg19) VCF-style: chr4-56277949-C-T.
Other names: short protein forms R126C.
Identifiers: ClinVar variation 35520 (VCV000035520.7), dbSNP rs387907222, ClinGen allele CA260080.

ClinVar aggregate classification (germline): Conflicting classifications of pathogenicity. Review status: criteria provided, conflicting classifications (1 of 4 stars). 3 submissions from 3 submitters: Likely pathogenic (1); Uncertain significance (1). 1 of the submissions does not count toward it. Last evaluated 2021-11-24.

Conditions:
TMEM165-congenital disorder of glycosylation. Also called: Congenital disorder of glycosylation type 2k; CDG IIk; TMEM165-CDG. Identifiers: Orphanet 314667, MedGen C3553571, MONDO:0013870, OMIM 614727.

Allele frequency attached by ClinVar (database versions not stated): ExAC 0.00001; gnomAD 0.00001; gnomAD exomes 0.00002; TOPMed 0.00002.
gnomAD v4.1: 26 of 1,614,028 alleles (0.0016%); highest among the groups gnomAD compares: South Asian, 0.0033%; no homozygotes.

Submissions (3):

GeneDx
Classification: Likely pathogenic. Last evaluated: 2021-11-24. Review status: criteria provided, single submitter. Criteria: GeneDx Variant Classification Process June 2021. Collection method: clinical testing. Allele origin: germline. Affected: yes.
Comment: Not observed at significant frequency in large population cohorts (gnomAD); Observed in either the homozygous or heterozygous state in an individual with CDG-II (Ashikov et al., 2018); In silico analysis supports that this missense variant has a deleterious effect on protein structure/function; Published functional studies demonstrate reduced calcium/manganese transport capacity, but cellular localization and glycosylation capability similar to wild-type in vitro (Rosnoblet et al., 2013; Stribny et al., 2020); This variant is associated with the following publications: (PMID: 27401145, 23575229, 23569283, 32599014, 22683087, 29878199, 32047108)

Labcorp Genetics (formerly Invitae), Labcorp
Classification: Uncertain significance for TMEM165-congenital disorder of glycosylation. Last evaluated: 2021-08-31. Review status: criteria provided, single submitter. Criteria: Invitae Variant Classification Sherloc (09022015). Collection method: clinical testing. Allele origin: germline.

OMIM
Classification: Pathogenic for CONGENITAL DISORDER OF GLYCOSYLATION, TYPE IIk. Last evaluated: 2012-07-13. Review status: no assertion criteria provided. Collection method: literature only. Allele origin: germline. Not counted in ClinVar's aggregate classification.

Literature cited by the submitters: PubMed 22683087 (cited by OMIM).